The following is an entry in ClinVar:

NM_024529.5(CDC73):c.539A>G (p.Glu180Gly)

Gene: CDC73 (cell division cycle 73; plus strand). Cytogenetic location: 1q31.2.
Variant type: single nucleotide variant.
Coding change: c.539A>G on transcript NM_024529.5 (MANE Select); coding-DNA position 539, A replaced by G.
Protein change: p.Glu180Gly; replaces glutamic acid 180 with glycine.
Molecular consequence: missense variant.
Genome position (GRCh38, 1-based): chr1:193,141,876, A>G. VCF-style: chr1-193141876-A-G. GRCh37 (hg19) VCF-style: chr1-193111006-A-G.
Other names: short protein forms E180G.
Identifiers: ClinVar variation 4631697 (VCV004631697.1).

ClinVar aggregate classification (germline): Uncertain significance (1 of 4 stars; one submission).

Conditions:
Hereditary cancer-predisposing syndrome. Also called: Neoplastic Syndromes, Hereditary; Tumor predisposition; Hereditary Cancer Syndrome; Hereditary neoplastic syndrome. Identifiers: Orphanet 140162, MedGen C0027672, MeSH D009386, MONDO:0015356.

Submission:

Ambry Genetics
Classification: Uncertain significance for Hereditary cancer-predisposing syndrome. Last evaluated: 2025-11-24. Review status: criteria provided, single submitter. Criteria: Ambry Variant Classification Scheme 2023. Collection method: clinical testing. Allele origin: germline.
Comment: The p.E180G variant (also known as c.539A>G), located in coding exon 7 of the CDC73 gene, results from an A to G substitution at nucleotide position 539. The glutamic acid at codon 180 is replaced by glycine, an amino acid with similar properties. This amino acid position is conserved. In addition, this alteration is predicted to be deleterious by in silico analysis. Based on the available evidence, the clinical significance of this variant remains unclear.